The following is an entry in ClinVar:

ClinVar aggregate classification (germline): Likely benign (0 of 4 stars; one submission).

Conditions:
SEMA3F-related disorder. Also called: SEMA3F-related condition.

gnomAD v4.1: 1 of 1,613,118 alleles (0.000062%); highest among the groups gnomAD compares: Non-Finnish European, 0.000085%; no homozygotes.

Submission:

PreventionGenetics, part of Exact Sciences
Classification: Likely benign for SEMA3F-related condition. Last evaluated: 2024-09-01. Review status: no assertion criteria provided. Collection method: clinical testing. Allele origin: germline.
Comment: This variant is classified as likely benign based on ACMG/AMP sequence variant interpretation guidelines (Richards et al. 2015 PMID: 25741868, with internal and published modifications).

NM_004186.5(SEMA3F):c.426C>T (p.Cys142=)

Gene: SEMA3F (semaphorin 3F; plus strand). Cytogenetic location: 3p21.31.
Variant type: single nucleotide variant.
Coding change: c.426C>T on transcript NM_004186.5 (MANE Select); coding-DNA position 426, C replaced by T.
Protein change: p.Cys142=; no amino-acid change (cysteine 142 retained).
Molecular consequence: synonymous variant.
Genome position (GRCh38, 1-based): chr3:50,174,320, C>T. VCF-style: chr3-50174320-C-T. GRCh37 (hg19) VCF-style: chr3-50211753-C-T.
Other names: c.222C>T, p.Cys74= (NM_001318798.2); c.426C>T, p.Cys142= (NM_001318800.2).
Identifiers: ClinVar variation 3344094 (VCV003344094.1).